The following is an entry in ClinVar:

NM_000052.7(ATP7A):c.563C>T (p.Thr188Ile)

Gene: ATP7A (ATPase copper transporting alpha; plus strand). Cytogenetic location: Xq21.1.
Variant type: single nucleotide variant.
Coding change: c.563C>T on transcript NM_000052.7 (MANE Select); coding-DNA position 563, C replaced by T.
Protein change: p.Thr188Ile; replaces threonine 188 with isoleucine.
Molecular consequence: missense variant.
Genome position (GRCh38, 1-based): chrX:77,988,684, C>T. VCF-style: chrX-77988684-C-T. GRCh37 (hg19) VCF-style: chrX-77244180-C-T.
Other names: c.563C>T, p.Thr188Ile (NM_001282224.2); short protein forms T188I.
Identifiers: ClinVar variation 3340905 (VCV003340905.1).

ClinVar aggregate classification (germline): Uncertain significance (1 of 4 stars; one submission).

Submission:

GeneDx
Classification: Uncertain significance. Last evaluated: 2023-05-31. Review status: criteria provided, single submitter. Criteria: GeneDx Variant Classification Process June 2021. Collection method: clinical testing. Allele origin: germline. Affected: yes.
Comment: Not observed at significant frequency in large population cohorts (gnomAD); In silico analysis supports that this missense variant has a deleterious effect on protein structure/function; This variant is associated with the following publications: (PMID: 31130284)